The following is an entry in ClinVar:

ClinVar aggregate classification (germline): Pathogenic (1 of 4 stars; one submission).

Conditions:
Neu-Laxova syndrome 2. Identifiers: Orphanet 2671, Orphanet 583602, MedGen C4015019, MONDO:0014466, OMIM 616038.

gnomAD v4.1: 1 of 1,613,086 alleles (0.000062%); highest among the groups gnomAD compares: Non-Finnish European, 0.000085%; no homozygotes.

Submission:

Labcorp Genetics (formerly Invitae), Labcorp
Classification: Pathogenic for Neu-Laxova syndrome 2. Last evaluated: 2021-10-16. Review status: criteria provided, single submitter. Criteria: Invitae Variant Classification Sherloc (09022015). Collection method: clinical testing. Allele origin: germline.
Comment: For these reasons, this variant has been classified as Pathogenic. Algorithms developed to predict the effect of sequence changes on RNA splicing suggest that this variant may create or strengthen a splice site, but this prediction has not been confirmed by published transcriptional studies. This variant has not been reported in the literature in individuals with PSAT1-related conditions. This variant is not present in population databases (ExAC no frequency). This sequence change creates a premature translational stop signal (p.Tyr148*) in the PSAT1 gene. It is expected to result in an absent or disrupted protein product. Loss-of-function variants in PSAT1 are known to be pathogenic (PMID: 17436247, 25152457).

Literature cited by the submitters: PubMed 17436247; PubMed 25152457.

NM_058179.4(PSAT1):c.444C>G (p.Tyr148Ter)

Gene: PSAT1 (phosphoserine aminotransferase 1; plus strand). Cytogenetic location: 9q21.2.
Variant type: single nucleotide variant.
Coding change: c.444C>G on transcript NM_058179.4 (MANE Select); coding-DNA position 444, C replaced by G.
Protein change: p.Tyr148Ter; replaces tyrosine 148 with a stop codon.
Molecular consequence: nonsense.
Genome position (GRCh38, 1-based): chr9:78,306,360, C>G. VCF-style: chr9-78306360-C-G. GRCh37 (hg19) VCF-style: chr9-80921276-C-G.
Other names: c.444C>G, p.Tyr148Ter (NM_021154.5); short protein forms Y148*.
Identifiers: ClinVar variation 1458396 (VCV001458396.6), dbSNP rs148598272, ClinGen allele CA373873046.